The following is an entry in ClinVar:

NM_000238.4(KCNH2):c.2463T>C (p.Asp821=)

Gene: KCNH2 (potassium voltage-gated channel subfamily H member 2; minus strand). Cytogenetic location: 7q36.1.
Variant type: single nucleotide variant.
Coding change: c.2463T>C on transcript NM_000238.4 (MANE Select); coding-DNA position 2463, T replaced by C.
Protein change: p.Asp821=; no amino-acid change (aspartic acid 821 retained).
Molecular consequence: synonymous variant.
Genome position (GRCh38, 1-based): chr7:150,948,985, A>G on the plus strand (T>C on the coding strand, the complement: KCNH2 is on the minus strand). VCF-style: chr7-150948985-A-G. GRCh37 (hg19) VCF-style: chr7-150646073-A-G.
Other names: c.1443T>C, p.Asp481= (NM_172057.3).
Identifiers: ClinVar variation 1588997 (VCV001588997.9), dbSNP rs1460365886, ClinGen allele CA458645188.
Genomic context (GRCh38, chr7:150,948,985, plus strand): 5'-CACCTCCAGCAGGTCGTCCCGATGGATCTTGTGTAGGTCACAGTAGGTGAGGGCCCGCAC[A>G]TCCCCGTTCGACTTGCCAGGCCTTGCATACAGGTTCAGAGGCTCCCCAAAGATGTCATTC-3'
Protein context (NP_000229.1, residues 811-831): LYARPGKSNG[Asp821=]VRALTYCDLH

ClinVar aggregate classification (germline): Likely benign. Review status: criteria provided, multiple submitters, no conflicts (2 of 4 stars). 2 submissions from 2 submitters: Likely benign (2). Last evaluated 2023-09-17.

Conditions:
Long QT syndrome (LQTS). Identifiers: MedGen C0023976, MeSH D008133, MONDO:0002442. Disease mechanism: loss of function. Inheritance: Various modes of inheritance.

gnomAD v4.1: 1 of 1,614,182 alleles (0.000062%); no homozygotes.

Submissions (2):

All of Us Research Program, National Institutes of Health
Classification: Likely benign for Long QT syndrome. Last evaluated: 2023-09-17. Review status: criteria provided, single submitter. Criteria: ACMG Guidelines, 2015. Collection method: clinical testing. Allele origin: germline. Inheritance: Autosomal dominant inheritance. Observed: 1 variant allele, 1 heterozygote.
Comment: This study involves interpretation of variants in research participants for the purpose of population health screening. Participant phenotype was not available at the time of variant classification. Additional details can be found in publication PMID: 35346344, PMCID: PMC8962531

Labcorp Genetics (formerly Invitae), Labcorp
Classification: Likely benign for Long QT syndrome. Last evaluated: 2021-08-27. Review status: criteria provided, single submitter. Criteria: Invitae Variant Classification Sherloc (09022015). Collection method: clinical testing. Allele origin: germline.